The following is an entry in ClinVar:

ClinVar aggregate classification (germline): Uncertain significance (1 of 4 stars; one submission).

Allele frequency attached by ClinVar (database versions not stated): ExAC 0.00005; TOPMed 0.00006; gnomAD 0.00008; gnomAD exomes 0.00008; ESP Exome Variant Server 0.00015.
gnomAD v4.1: 132 of 1,613,968 alleles (0.0082%); highest among the groups gnomAD compares: Non-Finnish European, 0.011%; no homozygotes.

Submission:

CeGaT Center for Human Genetics Tuebingen
Classification: Uncertain significance. Last evaluated: 2023-04-01. Review status: criteria provided, single submitter. Criteria: CeGaT Center For Human Genetics Tuebingen Variant Classification Criteria Version 2. Collection method: clinical testing. Allele origin: germline. Affected: yes. Observed: 1 variant allele.
Comment: TIE1: PM2:Supporting, PP3

NM_005424.5(TIE1):c.3137T>C (p.Ile1046Thr)

Genes: TIE1 (tyrosine kinase with immunoglobulin like and EGF like domains 1; plus strand), LOC126805720 (CDK7 strongly-dependent group 2 enhancer GRCh37_chr1:43786614-43787813; plus strand). Cytogenetic location: 1p34.2.
Variant type: single nucleotide variant.
Coding change: c.3137T>C on transcript NM_005424.5 (MANE Select); coding-DNA position 3137, T replaced by C.
Protein change: p.Ile1046Thr; replaces isoleucine 1046 with threonine.
Molecular consequence: missense variant.
Genome position (GRCh38, 1-based): chr1:43,321,298, T>C. VCF-style: chr1-43321298-T-C. GRCh37 (hg19) VCF-style: chr1-43786969-T-C.
Other names: c.3002T>C, p.Ile1001Thr (NM_001253357.2); short protein forms I1001T, I1046T.
Identifiers: ClinVar variation 2570722 (VCV002570722.27), dbSNP rs374603504, ClinGen allele CA806439.
Genomic context (GRCh38, chr1:43,321,298, plus strand): 5'-AAGGTAACTAAGTGCATCCTTCTTATTTCAGCTGGTCCTTTGGAGTCCTTCTTTGGGAGA[T>C]AGTGAGCCTTGGTGAGTTCCTGATCCCCGTCCCCCAGAGTGCCCCACCTTACCCCACGTG-3'
Protein context (NP_005415.1, residues 1036-1056): VWSFGVLLWE[Ile1046Thr]VSLGGTPYCG